The following is an entry in ClinVar:

NM_024996.7(GFM1):c.1878del (p.Phe626fs)

Gene: GFM1 (G elongation factor mitochondrial 1; plus strand). Cytogenetic location: 3q25.32.
Variant type: Deletion.
Coding change: c.1878del on transcript NM_024996.7 (MANE Select); coding-DNA position 1878, one base deleted (C; older notation c.1878delC).
Protein change: p.Phe626fs; shifts the reading frame from phenylalanine 626.
Molecular consequence: frameshift variant. On other transcripts: non-coding transcript variant (2).
Genome position (GRCh38, 1-based): chr3:158,684,637, C deleted. VCF-style (leftmost placement, unchanged base first): chr3-158684636-TC-T. GRCh37 (hg19) VCF-style: chr3-158402425-TC-T.
Other names: c.1935del, p.Phe645fs (NM_001308164.2); c.1797del, p.Phe599fs (NM_001374355.1); c.1761del, p.Phe587fs (NM_001374356.1); c.1653del, p.Phe551fs (NM_001374357.1); c.1419del, p.Phe473fs (NM_001374358.1); c.1311del, p.Phe437fs (NM_001374359.1, NM_001374360.1); c.1194del, p.Phe398fs (NM_001374361.1); c.1878delC (NM_024996.7); short protein forms F551fs, F437fs, F473fs, F587fs, F599fs, F645fs, F398fs, F626fs.
Identifiers: ClinVar variation 1450272 (VCV001450272.7), dbSNP rs1225913995, ClinGen allele CA901402392.
Genomic context (GRCh38, chr3:158,684,636, plus strand): 5'-GGCTCCGGTTTGTCCTGCAAGATGGAGCACACCACATGGTTGATTCTAATGAAATCTCTT[TC>T]ATCCGAGCAGGAGAAGGTGCTCTTAAACAAGGTATGCTGGGTCCGGGCACCTTAGCCTGT-3'

ClinVar aggregate classification (germline): Pathogenic. Review status: criteria provided, multiple submitters, no conflicts (2 of 4 stars). 2 submissions from 2 submitters: Pathogenic (2). Last evaluated 2025-10-22.

Conditions:
Hepatoencephalopathy due to combined oxidative phosphorylation defect type 1. Also called: HEPATOENCEPHALOPATHY, EARLY FATAL PROGRESSIVE. Identifiers: Orphanet 137681, MedGen C1836797, MONDO:0012191, OMIM 609060.

Allele frequency attached by ClinVar (database versions not stated): gnomAD 0.00001; TOPMed 0.00001; 1000 Genomes Project 30x 0.00031.

Submissions (2):

Women's Health and Genetics/Laboratory Corporation of America, LabCorp
Classification: Pathogenic for Hepatoencephalopathy due to combined oxidative phosphorylation defect type 1. Last evaluated: 2025-10-22. Review status: criteria provided, single submitter. Criteria: LabCorp Variant Classification Summary - May 2015. Collection method: clinical testing. Allele origin: germline.
Comment: Variant summary: GFM1 c.1878delC (p.Phe626LeufsX30) results in a premature termination codon, predicted to cause absence of the protein due to nonsense mediated decay, which is a commonly known mechanism for disease. The variant was absent in 251276 control chromosomes. To our knowledge, no occurrence of c.1878delC in individuals affected with GFM1-related conditions and no experimental evidence demonstrating its impact on protein function have been reported. ClinVar contains an entry for this variant (Variation ID: 1450272). Based on the evidence outlined above, the variant was classified as pathogenic.

Labcorp Genetics (formerly Invitae), Labcorp
Classification: Pathogenic. Last evaluated: 2023-04-18. Review status: criteria provided, single submitter. Criteria: Invitae Variant Classification Sherloc (09022015). Collection method: clinical testing. Allele origin: germline.
Comment: ClinVar contains an entry for this variant (Variation ID: 1450272). This variant has not been reported in the literature in individuals affected with GFM1-related conditions. This variant is not present in population databases (gnomAD no frequency). This sequence change creates a premature translational stop signal (p.Phe626Leufs*30) in the GFM1 gene. It is expected to result in an absent or disrupted protein product. Loss-of-function variants in GFM1 are known to be pathogenic (PMID: 16632485, 17160893). For these reasons, this variant has been classified as Pathogenic.

Literature cited by the submitters: PubMed 16632485 (cited by Labcorp Genetics (formerly Invitae), Labcorp); PubMed 17160893 (cited by Labcorp Genetics (formerly Invitae), Labcorp).